The following is an entry in ClinVar:

NM_004943.2(DMWD):c.1411C>T (p.Pro471Ser)

Gene: DMWD (DM1 locus, WD repeat containing; minus strand). Cytogenetic location: 19q13.32.
Variant type: single nucleotide variant.
Coding change: c.1411C>T on transcript NM_004943.2 (MANE Select); coding-DNA position 1411, C replaced by T.
Protein change: p.Pro471Ser; replaces proline 471 with serine.
Molecular consequence: missense variant.
Genome position (GRCh38, 1-based): chr19:45,786,085, G>A on the plus strand (C>T on the coding strand, the complement: DMWD is on the minus strand). VCF-style: chr19-45786085-G-A. GRCh37 (hg19) VCF-style: chr19-46289343-G-A.
Other names: short protein forms P471S.
Identifiers: ClinVar variation 3053155 (VCV003053155.2), dbSNP rs199536506, ClinGen allele CA9522056.

ClinVar aggregate classification (germline): Benign (0 of 4 stars; one submission).

Conditions:
DMWD-related disorder. Also called: DMWD-related condition.

Allele frequency attached by ClinVar (database versions not stated): gnomAD exomes 0.00025; ESP Exome Variant Server 0.00128; ExAC 0.00137; gnomAD 0.00290; 1000 Genomes Project 0.00319; TOPMed 0.00326; 1000 Genomes Project 30x 0.00359.
gnomAD v4.1: 797 of 1,518,006 alleles (0.053%); highest among the groups gnomAD compares: African/African-American, 0.97%; 5 homozygotes.

Submission:

PreventionGenetics, part of Exact Sciences
Classification: Benign for DMWD-related condition. Last evaluated: 2019-12-05. Review status: no assertion criteria provided. Collection method: clinical testing. Allele origin: germline.
Comment: This variant is classified as benign based on ACMG/AMP sequence variant interpretation guidelines (Richards et al. 2015 PMID: 25741868, with internal and published modifications).